The following is an entry in ClinVar:

NM_001395272.1(PHTF2):c.1869A>G (p.Val623=)

Gene: PHTF2 (putative homeodomain transcription factor 2; plus strand). Cytogenetic location: 7q21.11.
Variant type: single nucleotide variant.
Coding change: c.1869A>G on transcript NM_001395272.1 (MANE Select); coding-DNA position 1869, A replaced by G.
Protein change: p.Val623=; no amino-acid change (valine 623 retained).
Molecular consequence: synonymous variant. On other transcripts: intron variant (1).
Genome position (GRCh38, 1-based): chr7:77,949,689, A>G. VCF-style: chr7-77949689-A-G. GRCh37 (hg19) VCF-style: chr7-77579006-A-G.
Other names: c.1857A>G, p.Val619= (NM_020432.5, NM_001127358.2, NM_001366086.1); c.1846-1928A>G (NM_001366081.1); c.1869A>G, p.Val623= (NM_001127357.2); c.1725A>G, p.Val575= (NM_001366084.1, NM_001366087.1); c.1971A>G, p.Val657= (NM_001366089.1); c.1638A>G, p.Val546= (NM_001395270.1); c.1740A>G, p.Val580= (NM_001395271.1).
Identifiers: ClinVar variation 4823413 (VCV004823413.4).

ClinVar aggregate classification (germline): Likely benign (1 of 4 stars; one submission).

Submission:

CeGaT Center for Human Genetics Tuebingen
Classification: Likely benign. Last evaluated: 2026-02-01. Review status: criteria provided, single submitter. Criteria: CeGaT Center For Human Genetics Tuebingen Variant Classification Criteria Version 2. Collection method: clinical testing. Allele origin: germline. Affected: yes. Observed: 1 variant allele.
Comment: PHTF2: PM2:Supporting, BP4, BP7